The following is an entry in ClinVar:

ClinVar aggregate classification (germline): Likely benign (1 of 4 stars; one submission).

Conditions:
TSHZ1-related disorder. Also called: TSHZ1-related condition.

gnomAD v4.1: 84 of 1,614,156 alleles (0.0052%); highest among the groups gnomAD compares: East Asian, 0.036%; no homozygotes.

Submission:

PreventionGenetics, part of Exact Sciences
Classification: Likely benign for TSHZ1-related condition. Last evaluated: 2026-05-22. Review status: criteria provided, single submitter. Criteria: ACMG Guidelines, 2015. Collection method: clinical testing. Allele origin: germline.
Comment: This variant is classified as likely benign based on ACMG/AMP sequence variant interpretation guidelines (Richards et al. 2015 PMID: 25741868, with internal and published modifications).

NM_001308210.2(TSHZ1):c.1539G>A (p.Ala513=)

Genes: TSHZ1 (teashirt zinc finger homeobox 1; plus strand), LOC125371439 (Sharpr-MPRA regulatory region 9768; plus strand). Cytogenetic location: 18q22.3.
Variant type: single nucleotide variant.
Coding change: c.1539G>A on transcript NM_001308210.2 (MANE Select); coding-DNA position 1539, G replaced by A.
Protein change: p.Ala513=; no amino-acid change (alanine 513 retained).
Molecular consequence: synonymous variant.
Genome position (GRCh38, 1-based): chr18:75,286,946, G>A. VCF-style: chr18-75286946-G-A. GRCh37 (hg19) VCF-style: chr18-72998901-G-A.
Other names: c.1404G>A, p.Ala468= (NM_005786.6).
Identifiers: ClinVar variation 4981452 (VCV004981452.1).